The following is an entry in ClinVar:

ClinVar aggregate classification (germline): Conflicting classifications of pathogenicity. Review status: criteria provided, conflicting classifications (1 of 4 stars). 2 submissions from 2 submitters: Uncertain significance (1); Likely benign (1). Last evaluated 2025-06-20.

Conditions:
Inborn genetic diseases. Identifiers: MedGen C0950123, MeSH D030342.
Acute myeloid leukemia (AML). Also called: Leukemia, acute myeloid, somatic; Leukemia, acute myelogenous, somatic; Acute myeloid leukemia, adult; AML adult; Acute non-lymphocytic leukemia; Acute granulocytic leukemia. Identifiers: Orphanet 519, MedGen C0023467, MeSH D015470, MONDO:0018874, OMIM 601626, HP:0004808. Disease mechanism: Constitutively activated FLT3.

Submissions (2):

Ambry Genetics
Classification: Uncertain significance for Inborn genetic diseases. Last evaluated: 2025-06-20. Review status: criteria provided, single submitter. Criteria: Ambry Variant Classification Scheme 2023. Collection method: clinical testing. Allele origin: germline.
Comment: The p.G141R variant (also known as c.421G>C), located in coding exon 1 of the CEBPA gene, results from a G to C substitution at nucleotide position 421. The glycine at codon 141 is replaced by arginine, an amino acid with dissimilar properties. This amino acid position is conserved. In addition, this alteration is predicted to be tolerated by in silico analysis. Based on the available evidence, the clinical significance of this variant remains unclear.

Labcorp Genetics (formerly Invitae), Labcorp
Classification: Likely benign for Acute myeloid leukemia. Last evaluated: 2023-07-26. Review status: criteria provided, single submitter. Criteria: Invitae Variant Classification Sherloc (09022015). Collection method: clinical testing. Allele origin: germline.

NM_004364.5(CEBPA):c.421G>C (p.Gly141Arg)

Gene: CEBPA (CCAAT enhancer binding protein alpha; minus strand). Cytogenetic location: 19q13.11.
Variant type: single nucleotide variant.
Coding change: c.421G>C on transcript NM_004364.5 (MANE Select); coding-DNA position 421, G replaced by C.
Protein change: p.Gly141Arg; replaces glycine 141 with arginine.
Molecular consequence: missense variant.
Genome position (GRCh38, 1-based): chr19:33,301,994, C>G on the plus strand (G>C on the coding strand, the complement: CEBPA is on the minus strand). VCF-style: chr19-33301994-C-G. GRCh37 (hg19) VCF-style: chr19-33792900-C-G.
Other names: c.64G>C, p.Gly22Arg (NM_001285829.2); c.526G>C, p.Gly176Arg (NM_001287424.2); c.379G>C, p.Gly127Arg (NM_001287435.2); c.421G>C (NM_004364.3); short protein forms G127R, G141R, G22R, G176R.
Identifiers: ClinVar variation 1408811 (VCV001408811.7), dbSNP rs1408671093, ClinGen allele CA405274989.